The following is an entry in ClinVar:

NM_007186.6(CEP250):c.2810C>T (p.Thr937Met)

Gene: CEP250 (centrosomal protein 250; plus strand). Cytogenetic location: 20q11.22.
Variant type: single nucleotide variant.
Coding change: c.2810C>T on transcript NM_007186.6 (MANE Select); coding-DNA position 2810, C replaced by T.
Protein change: p.Thr937Met; replaces threonine 937 with methionine.
Molecular consequence: missense variant.
Genome position (GRCh38, 1-based): chr20:35,491,267, C>T. VCF-style: chr20-35491267-C-T. GRCh37 (hg19) VCF-style: chr20-34079093-C-T.
Other names: c.914C>T, p.Thr305Met (NM_001318219.1); short protein forms T305M, T937M.
Identifiers: ClinVar variation 4988921 (VCV004988921.1).

ClinVar aggregate classification (germline): Uncertain significance (1 of 4 stars; one submission).

Conditions:
CEP250-related disorder. Also called: CEP250-related condition.

gnomAD v4.1: 26 of 1,608,116 alleles (0.0016%); highest among the groups gnomAD compares: South Asian, 0.0078%; 1 homozygote.

Submission:

PreventionGenetics, part of Exact Sciences
Classification: Uncertain significance for CEP250-related condition. Last evaluated: 2026-04-04. Review status: criteria provided, single submitter. Criteria: ACMG Guidelines, 2015. Collection method: clinical testing. Allele origin: germline.
Comment: The CEP250 c.2810C>T variant is predicted to result in the amino acid substitution p.Thr937Met. To our knowledge, this variant has not been reported in the literature. This variant is reported in 0.013% of alleles in individuals of African descent in gnomAD. At this time, the clinical significance of this variant is uncertain due to the absence of conclusive functional and genetic evidence.